The following is an entry in ClinVar:

NM_000057.4(BLM):c.1088C>T (p.Ala363Val)

Gene: BLM (BLM RecQ like helicase; plus strand). Cytogenetic location: 15q26.1.
Variant type: single nucleotide variant.
Coding change: c.1088C>T on transcript NM_000057.4 (MANE Select); coding-DNA position 1088, C replaced by T.
Protein change: p.Ala363Val; replaces alanine 363 with valine.
Molecular consequence: missense variant. On other transcripts: 5 prime UTR variant (1).
Genome position (GRCh38, 1-based): chr15:90,760,147, C>T. VCF-style: chr15-90760147-C-T. GRCh37 (hg19) VCF-style: chr15-91303377-C-T.
Other names: c.1088C>T, p.Ala363Val (NM_001287246.2, NM_001287247.2); c.-38C>T (NM_001287248.2); short protein forms A363V.
Identifiers: ClinVar variation 566136 (VCV000566136.12), dbSNP rs1567040460, ClinGen allele CA393842281.

ClinVar aggregate classification (germline): Uncertain significance. Review status: criteria provided, multiple submitters, no conflicts (2 of 4 stars). 3 submissions from 3 submitters: Uncertain significance (3). Last evaluated 2024-02-13.

Conditions:
Bloom syndrome (BLM). Also called: Bloom-Torre-Machacek syndrome. Identifiers: Orphanet 125, MedGen C0005859, MONDO:0008876, OMIM 210900.
Hereditary cancer-predisposing syndrome. Also called: Neoplastic Syndromes, Hereditary; Tumor predisposition; Hereditary neoplastic syndrome; Hereditary Cancer Syndrome. Identifiers: Orphanet 140162, MedGen C0027672, MeSH D009386, MONDO:0015356.

gnomAD v4.1: 9 of 1,609,358 alleles (0.00056%); highest among the groups gnomAD compares: South Asian, 0.0022%; no homozygotes.

Submissions (3):

Labcorp Genetics (formerly Invitae), Labcorp
Classification: Uncertain significance for Bloom syndrome. Last evaluated: 2024-02-13. Review status: criteria provided, single submitter. Criteria: Invitae Variant Classification Sherloc (09022015). Collection method: clinical testing. Allele origin: germline.
Comment: This sequence change replaces alanine, which is neutral and non-polar, with valine, which is neutral and non-polar, at codon 363 of the BLM protein (p.Ala363Val). This variant is not present in population databases (gnomAD no frequency). This variant has not been reported in the literature in individuals affected with BLM-related conditions. ClinVar contains an entry for this variant (Variation ID: 566136). Algorithms developed to predict the effect of missense changes on protein structure and function output the following: SIFT: "Not Available"; PolyPhen-2: "Benign"; Align-GVGD: "Not Available". The valine amino acid residue is found in multiple mammalian species, which suggests that this missense change does not adversely affect protein function. In summary, the available evidence is currently insufficient to determine the role of this variant in disease. Therefore, it has been classified as a Variant of Uncertain Significance.

Revvity Omics, Revvity
Classification: Uncertain significance for Bloom syndrome. Last evaluated: 2022-03-28. Review status: criteria provided, single submitter. Criteria: ACMG Guidelines, 2015. Collection method: clinical testing. Allele origin: germline.

Ambry Genetics
Classification: Uncertain significance for Hereditary cancer-predisposing syndrome. Last evaluated: 2021-06-03. Review status: criteria provided, single submitter. Criteria: Ambry Variant Classification Scheme 2023. Collection method: clinical testing. Allele origin: germline.
Comment: The p.A363V variant (also known as c.1088C>T) is located in coding exon 5 of the BLM gene. The alanine at codon 363 is replaced by valine, an amino acid with similar properties. This change occurs in the first base pair of coding exon 5. This amino acid position is not well conserved in available vertebrate species. In addition, this alteration is predicted to be tolerated by in silico analysis. Since supporting evidence is limited at this time, the clinical significance of this alteration remains unclear.